The following is an entry in ClinVar:

NM_005909.5(MAP1B):c.3530C>T (p.Pro1177Leu)

Gene: MAP1B (microtubule associated protein 1B; plus strand). Cytogenetic location: 5q13.2.
Variant type: single nucleotide variant.
Coding change: c.3530C>T on transcript NM_005909.5 (MANE Select); coding-DNA position 3530, C replaced by T.
Protein change: p.Pro1177Leu; replaces proline 1177 with leucine.
Molecular consequence: missense variant.
Genome position (GRCh38, 1-based): chr5:72,196,885, C>T. VCF-style: chr5-72196885-C-T. GRCh37 (hg19) VCF-style: chr5-71492712-C-T.
Other names: c.3152C>T, p.Pro1051Leu (NM_001324255.2); short protein forms P1051L, P1177L.
Identifiers: ClinVar variation 4088051 (VCV004088051.2).

ClinVar aggregate classification (germline): Uncertain significance (1 of 4 stars; one submission).

Submission:

GeneDx
Classification: Uncertain significance. Last evaluated: 2026-09-11. Review status: criteria provided, single submitter. Criteria: GeneDx Variant Classification Process June 2021. Collection method: clinical testing. Allele origin: germline.
Comment: Not observed at significant frequency in large population cohorts (gnomAD); In silico analysis suggests that this missense variant does not alter protein structure/function; Has not been previously published as pathogenic or benign to our knowledge